The following is an entry in ClinVar:

ClinVar aggregate classification (germline): Likely benign. Review status: reviewed by expert panel (3 of 4 stars). 4 submissions from 4 submitters: Likely benign (1). 3 of the submissions do not count toward it. Last evaluated 2023-06-16.

Conditions:
Angelman syndrome (AS). Also called: HAPPY PUPPET SYNDROME. Identifiers: Orphanet 72, MedGen C0162635, MONDO:0007113, OMIM 105830. Disease mechanism: loss of function. Inheritance: imprinting disorder, AS is caused by disruption of maternally imprinted UBE3A located within the 15q11.2-q13 Angelman syndrome/Prader-Willi syndrome (AS/PWS) region..

Allele frequency attached by ClinVar (database versions not stated): gnomAD exomes below 0.00001 and 0.00001.
gnomAD v4.1: 8 of 1,613,944 alleles (0.0005%); highest among the groups gnomAD compares: Non-Finnish European, 0.00059%; no homozygotes.

Submissions (4):

ClinGen Rett and Angelman-like Disorders Variant Curation Expert Panel
Classification: Likely benign for Angelman syndrome. Last evaluated: 2023-06-16. Review status: reviewed by expert panel. Criteria: ClinGen RettAS ACMG Specifications UBE3A V4.0.0. Collection method: curation. Allele origin: germline. Inheritance: Autosomal dominant inheritance.
Comment: The c.1212C>T p.Pro404= variant in UBE3A (NM_130838.2) is present in gnomAD v2.1.1 at a frequency of 0.0062% in the European (non-Finnish) sub population (no criteria met). The silent p.Pro404= variant is not predicted to affect splicing using multiple computational tools and does not affect a highly conserved nucleotide (BP4, BP7). In summary, the c.1212C>T p.Pro404= variant in UBE3A is classified as Likely Benign based on the ACMG/AMP criteria (BP4, BP7).

Labcorp Genetics (formerly Invitae), Labcorp
Classification: Likely benign for Angelman syndrome. Last evaluated: 2022-01-11. Review status: criteria provided, single submitter. Criteria: Invitae Variant Classification Sherloc (09022015). Collection method: clinical testing. Allele origin: germline. Not counted in ClinVar's aggregate classification.

GeneDx
Classification: Likely benign. Last evaluated: 2017-06-22. Review status: criteria provided, single submitter. Criteria: GeneDx Variant Classification (06012015). Collection method: clinical testing. Allele origin: germline. Affected: yes. Not counted in ClinVar's aggregate classification.
Comment: This variant is considered likely benign or benign based on one or more of the following criteria: it is a conservative change, it occurs at a poorly conserved position in the protein, it is predicted to be benign by multiple in silico algorithms, and/or has population frequency not consistent with disease.

Genetic Services Laboratory, University of Chicago
Classification: Uncertain significance. Last evaluated: 2016-12-16. Review status: criteria provided, single submitter. Criteria: ACMG Guidelines, 2015. Collection method: clinical testing. Allele origin: germline. Affected: no. Not counted in ClinVar's aggregate classification.

NM_130839.5(UBE3A):c.1272C>T (p.Pro424=)

Genes: SNHG14 (small nucleolar RNA host gene 14; plus strand), UBE3A (ubiquitin protein ligase E3A; minus strand). Cytogenetic location: 15q11.2.
Variant type: single nucleotide variant.
Coding change: c.1272C>T on transcript NM_130839.5 (MANE Select); coding-DNA position 1272, C replaced by T.
Protein change: p.Pro424=; no amino-acid change (proline 424 retained).
Molecular consequence: synonymous variant. On other transcripts: non-coding transcript variant (1), intron variant (2).
Genome position (GRCh38, 1-based): chr15:25,370,902, G>A on the plus strand (C>T on the coding strand, the complement: UBE3A is on the minus strand). VCF-style: chr15-25370902-G-A. GRCh37 (hg19) VCF-style: chr15-25616049-G-A.
Other names: NM_130839.5(UBE3A):c.1272C>T; p.Pro424=; c.1281C>T, p.Pro427= (NM_000462.5); c.1272C>T, p.Pro424= (NM_001354505.1, NM_001354538.2, NM_001354545.2); c.1212C>T, p.Pro404= (NM_001354506.2, NM_001354507.2, NM_001354508.2 and 17 more transcripts); c.1095C>T, p.Pro365= (NM_001354546.2); c.301+4563C>T (NM_001354551.2); c.361+4563C>T (NM_001354550.2).
Identifiers: ClinVar variation 378843 (VCV000378843.16), dbSNP rs1057520392, ClinGen allele CA16606643.